The following is an entry in ClinVar:

NM_201525.4(ADGRG1):c.598C>T (p.Pro200Ser)

Gene: ADGRG1 (adhesion G protein-coupled receptor G1; plus strand). Cytogenetic location: 16q21.
Variant type: single nucleotide variant.
Coding change: c.598C>T on transcript NM_201525.4 (MANE Select); coding-DNA position 598, C replaced by T.
Protein change: p.Pro200Ser; replaces proline 200 with serine.
Molecular consequence: missense variant. On other transcripts: intron variant (1).
Genome position (GRCh38, 1-based): chr16:57,653,313, C>T. VCF-style: chr16-57653313-C-T. GRCh37 (hg19) VCF-style: chr16-57687225-C-T.
Other names: c.598C>T, p.Pro200Ser (NM_001145770.3, NM_001145771.3, NM_001145772.3 and 16 more transcripts); c.613C>T, p.Pro205Ser (NM_001145773.3, NM_001370433.1); c.73C>T, p.Pro25Ser (NM_001290143.2, NM_001290144.2, NM_001370451.1 and 2 more transcripts); c.442C>T, p.Pro148Ser (NM_001370442.1); c.111-673C>T (NM_001290142.2); short protein forms P200S, P205S, P25S, P148S.
Identifiers: ClinVar variation 2176905 (VCV002176905.1), dbSNP rs758907377, ClinGen allele CA8078426.

ClinVar aggregate classification (germline): Uncertain significance (1 of 4 stars; one submission).

Allele frequency attached by ClinVar (database versions not stated): TOPMed below 0.00001; ExAC 0.00001; gnomAD exomes 0.00001.

Submission:

Labcorp Genetics (formerly Invitae), Labcorp
Classification: Uncertain significance. Last evaluated: 2022-10-05. Review status: criteria provided, single submitter. Criteria: Invitae Variant Classification Sherloc (09022015). Collection method: clinical testing. Allele origin: germline.
Comment: This sequence change replaces proline, which is neutral and non-polar, with serine, which is neutral and polar, at codon 200 of the ADGRG1 protein (p.Pro200Ser). This variant is present in population databases (rs758907377, gnomAD 0.007%). This variant has not been reported in the literature in individuals affected with ADGRG1-related conditions. Advanced modeling of protein sequence and biophysical properties (such as structural, functional, and spatial information, amino acid conservation, physicochemical variation, residue mobility, and thermodynamic stability) performed at Invitae indicates that this missense variant is not expected to disrupt ADGRG1 protein function. In summary, the available evidence is currently insufficient to determine the role of this variant in disease. Therefore, it has been classified as a Variant of Uncertain Significance.